The following is an entry in ClinVar:

NM_006158.5(NEFL):c.1226C>T (p.Thr409Ile)

Gene: NEFL (neurofilament light chain; minus strand). Cytogenetic location: 8p21.2.
Variant type: single nucleotide variant.
Coding change: c.1226C>T on transcript NM_006158.5 (MANE Select); coding-DNA position 1226, C replaced by T.
Protein change: p.Thr409Ile; replaces threonine 409 with isoleucine.
Molecular consequence: missense variant.
Genome position (GRCh38, 1-based): chr8:24,953,739, G>A on the plus strand (C>T on the coding strand, the complement: NEFL is on the minus strand). VCF-style: chr8-24953739-G-A. GRCh37 (hg19) VCF-style: chr8-24811253-G-A.
Other names: short protein forms T409I.
Identifiers: ClinVar variation 4071933 (VCV004071933.1).

ClinVar aggregate classification (germline): Uncertain significance (1 of 4 stars; one submission).

Submission:

GeneDx
Classification: Uncertain significance. Last evaluated: 2025-01-28. Review status: criteria provided, single submitter. Criteria: GeneDx Variant Classification Process June 2021. Collection method: clinical testing. Allele origin: germline. Affected: yes.
Comment: Not observed at significant frequency in large population cohorts (gnomAD); Has not been previously published as pathogenic or benign to our knowledge; In-silico analysis is inconclusive as to whether the variant impacts protein structure/function. In the absence of functional studies, the actual effect of this sequence change is unknown